The following is an entry in ClinVar:

NM_003321.5(TUFM):c.320G>C (p.Arg107Pro)

Gene: TUFM (Tu translation elongation factor, mitochondrial; minus strand). Cytogenetic location: 16p11.2.
Variant type: single nucleotide variant.
Coding change: c.320G>C on transcript NM_003321.5 (MANE Select); coding-DNA position 320, G replaced by C.
Protein change: p.Arg107Pro; replaces arginine 107 with proline.
Molecular consequence: missense variant.
Genome position (GRCh38, 1-based): chr16:28,845,408, C>G on the plus strand (G>C on the coding strand, the complement: TUFM is on the minus strand). VCF-style: chr16-28845408-C-G. GRCh37 (hg19) VCF-style: chr16-28856729-C-G.
Other names: c.320G>C, p.Arg107Pro (NM_001365360.2); short protein forms R107P.
Identifiers: ClinVar variation 427129 (VCV000427129.2), dbSNP rs1085307974, ClinGen allele CA395418518.
Genomic context (GRCh38, chr16:28,845,408, plus strand): 5'-TGGGCGTAGTGGCGGGCGGCAGTGCTATACTCCACATGAGCCGCATTGATGGTGATACCC[C>G]GAGCTCGCTCCTCCGGGGCATTGTCAATCTCCTCGTACTTCTTGAACTTAGCCCCACCTC-3'
Protein context (NP_003312.3, residues 97-117): EIDNAPEERA[Arg107Pro]GITINAAHVE

ClinVar aggregate classification (germline): Likely pathogenic (1 of 4 stars; one submission).

Allele frequency attached by ClinVar (database versions not stated): TOPMed 0.00001; gnomAD exomes below 0.00001; gnomAD 0.00002.
gnomAD v4.1: 4 of 1,614,024 alleles (0.00025%); highest among the groups gnomAD compares: African/African-American, 0.004%; no homozygotes.

Submission:

GeneDx
Classification: Likely pathogenic. Last evaluated: 2015-05-22. Review status: criteria provided, single submitter. Criteria: GeneDx Variant Classification (06012015). Collection method: clinical testing. Allele origin: germline. Affected: yes.
Comment: The R107P variant has not been published as a pathogenic variant, nor has it been reported as a benign polymorphism to our knowledge. The R107P variant is a non-conservative amino acid substitution, which is likely to impact secondary protein structure as these residues differ in polarity, charge, size and/or other properties. This substitution occurs at a position that is conserved across species, and in silico analysis predicts this variant is probably damaging to the protein structure/function. Therefore, this variant is a strong candidate for a pathogenic variant, however the possibility that it is a benign variant cannot be excluded